The following is an entry in ClinVar:

NM_000214.3(JAG1):c.3008_3012dup (p.Pro1006fs)

Gene: JAG1 (jagged canonical Notch ligand 1; minus strand). Cytogenetic location: 20p12.2.
Variant type: Duplication.
Coding change: c.3008_3012dup on transcript NM_000214.3 (MANE Select); coding-DNA positions 3008 to 3012, 5 bases duplicated (AGCCT; older notation c.3008_3012dupAGCCT).
Protein change: p.Pro1006fs; shifts the reading frame from proline 1006.
Molecular consequence: frameshift variant.
Genome position (GRCh38, 1-based): chr20:10,641,149-10,641,153, AGGCT duplicated on the plus strand (AGCCT on the coding strand, the reverse complement: JAG1 is on the minus strand). VCF-style (leftmost placement, unchanged base first): chr20-10641148-A-AAGGCT. GRCh37 (hg19) VCF-style: chr20-10621796-A-AAGGCT.
Other names: c.3008_3012dup, p.Pro1006fs (LRG_1191t1); short protein forms P1006fs.
Identifiers: ClinVar variation 645280 (VCV000645280.6), dbSNP rs1600178730, ClinGen allele CA915953090.
Genomic context (GRCh38, chr20:10,641,148, plus strand): 5'-AGGTGTGAATGGGTCTTATACTTACAATGGCCACATGTATTTCATTGTTCGCTGAAGGGG[A>AAGGCT]AGGCTCGCAAGCGATGTAGATTGAATATTCAGCGGAAACATTCTTCAAAATATTCAAATT-3'

ClinVar aggregate classification (germline): Pathogenic (1 of 4 stars; one submission).

Conditions:
Alagille syndrome due to a JAG1 point mutation. Also called: Alagille Syndrome 1; JAG1-Related Alagille Syndrome; HEPATIC DUCTULAR HYPOPLASIA, SYNDROMATIC. Identifiers: Orphanet 261619, Orphanet 52, MedGen C1956125, MONDO:0016862, OMIM 118450.

Submission:

Labcorp Genetics (formerly Invitae), Labcorp
Classification: Pathogenic for Alagille syndrome due to a JAG1 point mutation. Last evaluated: 2018-08-12. Review status: criteria provided, single submitter. Criteria: Invitae Variant Classification Sherloc (09022015). Collection method: clinical testing. Allele origin: germline.
Comment: For these reasons, this variant has been classified as Pathogenic. Loss-of-function variants in JAG1 are known to be pathogenic (PMID: 11180599). This variant has not been reported in the literature in individuals with JAG1-related disease. This variant is not present in population databases (ExAC no frequency). This sequence change creates a premature translational stop signal (p.Pro1006Leufs*32) in the JAG1 gene. It is expected to result in an absent or disrupted protein product.

Literature cited by the submitters: PubMed 11180599.